The following is an entry in ClinVar:

ClinVar aggregate classification (germline): Likely benign. Review status: criteria provided, single submitter (1 of 4 stars). 2 submissions from 2 submitters: Likely benign (1). 1 of the submissions does not count toward it. Last evaluated 2018-03-29.

Conditions:
LIPT1-related disorder. Also called: LIPT1-related condition.

Allele frequency attached by ClinVar (database versions not stated): gnomAD 0.00001 and 0.00002; gnomAD exomes 0.00001 and 0.00003; TOPMed 0.00001; ExAC 0.00004.
gnomAD v4.1: 17 of 1,613,270 alleles (0.0011%); highest among the groups gnomAD compares: East Asian, 0.02%; 1 homozygote.

Submissions (2):

Labcorp Genetics (formerly Invitae), Labcorp
Classification: Likely benign. Last evaluated: 2018-03-29. Review status: criteria provided, single submitter. Criteria: Invitae Variant Classification Sherloc (09022015). Collection method: clinical testing. Allele origin: germline.

PreventionGenetics, part of Exact Sciences
Classification: Likely benign for LIPT1-related condition. Last evaluated: 2019-10-22. Review status: no assertion criteria provided. Collection method: clinical testing. Allele origin: germline. Not counted in ClinVar's aggregate classification.
Comment: This variant is classified as likely benign based on ACMG/AMP sequence variant interpretation guidelines (Richards et al. 2015 PMID: 25741868, with internal and published modifications).

NM_145199.3(LIPT1):c.1026C>A (p.Thr342=)

Genes: LIPT1 (lipoyltransferase 1; plus strand), MITD1 (microtubule interacting and trafficking domain containing 1; minus strand). Cytogenetic location: 2q11.2.
Variant type: single nucleotide variant.
Coding change: c.1026C>A on transcript NM_145199.3 (MANE Select); coding-DNA position 1026, C replaced by A.
Protein change: p.Thr342=; no amino-acid change (threonine 342 retained).
Molecular consequence: synonymous variant. On other transcripts: non-coding transcript variant (2).
Genome position (GRCh38, 1-based): chr2:99,162,983, C>A. VCF-style: chr2-99162983-C-A. GRCh37 (hg19) VCF-style: chr2-99779446-C-A.
Other names: c.1026C>A, p.Thr342= (NM_001204830.2, NM_015929.4, NM_145197.3 and 1 more transcripts).
Identifiers: ClinVar variation 736516 (VCV000736516.5), dbSNP rs765390612, ClinGen allele CA1797425.
Genomic context (GRCh38, chr2:99,162,983, plus strand): 5'-AATACGTGACAAATTAAATTCAAGTCTTATTGGCAGTAAGTTTTGCCCAACTGAAACTAC[C>A]ATGCTAACAAATATATTACTTAGAACATGTCCACAAGACCACAAACTAAACAGTAAATGG-3'
Protein context (NP_660200.1, residues 332-352): IGSKFCPTET[Thr342=]MLTNILLRTC